The following is an entry in ClinVar:

NM_006035.4(CDC42BPB):c.2202G>A (p.Leu734=)

Gene: CDC42BPB (CDC42 binding protein kinase beta; minus strand). Cytogenetic location: 14q32.32.
Variant type: single nucleotide variant.
Coding change: c.2202G>A on transcript NM_006035.4 (MANE Select); coding-DNA position 2202, G replaced by A.
Protein change: p.Leu734=; no amino-acid change (leucine 734 retained).
Molecular consequence: synonymous variant.
Genome position (GRCh38, 1-based): chr14:102,968,510, C>T on the plus strand (G>A on the coding strand, the complement: CDC42BPB is on the minus strand). VCF-style: chr14-102968510-C-T. GRCh37 (hg19) VCF-style: chr14-103434847-C-T.
Other names: c.2202G>A, p.Leu734= (NM_001411054.1).
Identifiers: ClinVar variation 3053429 (VCV003053429.2), dbSNP rs2542862320, ClinGen allele CA488192996.

ClinVar aggregate classification (germline): Likely benign (0 of 4 stars; one submission).

Conditions:
CDC42BPB-related disorder.

Submission:

PreventionGenetics, part of Exact Sciences
Classification: Likely benign for CDC42BPB-related condition. Last evaluated: 2022-08-03. Review status: no assertion criteria provided. Collection method: clinical testing. Allele origin: germline.
Comment: This variant is classified as likely benign based on ACMG/AMP sequence variant interpretation guidelines (Richards et al. 2015 PMID: 25741868, with internal and published modifications).